The following is an entry in ClinVar:

ClinVar aggregate classification (germline): Uncertain significance. Review status: criteria provided, multiple submitters, no conflicts (2 of 4 stars). 2 submissions from 2 submitters: Uncertain significance (2). Last evaluated 2026-01-19.

Conditions:
Intellectual disability, autosomal recessive 42 (NEDDSBA). Also called: Neurodevelopmental disorder with dysmorphic features, spasticity, and brain abnormalities; GLYCOSYLPHOSPHATIDYLINOSITOL BIOSYNTHESIS DEFECT 9. Identifiers: Orphanet 88616, MedGen C4014343, MONDO:0014348, OMIM 615802.
Inborn genetic diseases. Identifiers: MedGen C0950123, MeSH D030342.

Allele frequency attached by ClinVar (database versions not stated): gnomAD 0.00001; gnomAD exomes 0.00001; TOPMed 0.00001; ExAC 0.00002.
gnomAD v4.1: 14 of 1,609,394 alleles (0.00087%); highest among the groups gnomAD compares: Admixed American, 0.0084%; no homozygotes.

Submissions (2):

Labcorp Genetics (formerly Invitae), Labcorp
Classification: Uncertain significance for Intellectual disability, autosomal recessive 42. Last evaluated: 2026-01-19. Review status: criteria provided, single submitter. Criteria: Invitae Variant Classification Sherloc (09022015). Collection method: clinical testing. Allele origin: germline.
Comment: This sequence change replaces valine, which is neutral and non-polar, with methionine, which is neutral and non-polar, at codon 168 of the PGAP1 protein (p.Val168Met). This variant is present in population databases (rs779385418, gnomAD 0.02%). This variant has not been reported in the literature in individuals affected with PGAP1-related conditions. ClinVar contains an entry for this variant (Variation ID: 1983649). Invitae Evidence Modeling of protein sequence and biophysical properties (such as structural, functional, and spatial information, amino acid conservation, physicochemical variation, residue mobility, and thermodynamic stability) has been performed for this missense variant. However, the output from this modeling did not meet the statistical confidence thresholds required to predict the impact of this variant on PGAP1 protein function. In summary, the available evidence is currently insufficient to determine the role of this variant in disease. Therefore, it has been classified as a Variant of Uncertain Significance.

Ambry Genetics
Classification: Uncertain significance for Inborn genetic diseases. Last evaluated: 2024-07-30. Review status: criteria provided, single submitter. Criteria: Ambry Variant Classification Scheme 2023. Collection method: clinical testing. Allele origin: germline.

NM_024989.4(PGAP1):c.502G>A (p.Val168Met)

Gene: PGAP1 (post-GPI attachment to proteins inositol deacylase 1; minus strand). Cytogenetic location: 2q33.1.
Variant type: single nucleotide variant.
Coding change: c.502G>A on transcript NM_024989.4 (MANE Select); coding-DNA position 502, G replaced by A.
Protein change: p.Val168Met; replaces valine 168 with methionine.
Molecular consequence: missense variant. On other transcripts: 5 prime UTR variant (2).
Genome position (GRCh38, 1-based): chr2:196,913,029, C>T on the plus strand (G>A on the coding strand, the complement: PGAP1 is on the minus strand). VCF-style: chr2-196913029-C-T. GRCh37 (hg19) VCF-style: chr2-197777753-C-T.
Other names: c.502G>A (NM_024989.3); c.-21G>A (NM_001321099.2); c.-610G>A (NM_001321100.2); short protein forms V168M.
Identifiers: ClinVar variation 1983649 (VCV001983649.3), dbSNP rs779385418, ClinGen allele CA2041179.
Genomic context (GRCh38, chr2:196,913,029, plus strand): 5'-TTTTCAGTGTAAGCAATGCTCTTGCAACAAGGCCACCCATAGAATGACCAATTATTGCCA[C>T]ACTTTTTGGAGCAAATTCTTGACCCTATTAAAATAAATCACCAGGTCATAATTGCGGCTT-3'
Protein context (NP_079265.2, residues 158-178): YKGQEFAPKS[Val168Met]AIIGHSMGGL